The following is an entry in ClinVar:

NM_017668.3(NDE1):c.796-6G>C

Gene: NDE1 (nudE neurodevelopment protein 1; plus strand). Cytogenetic location: 16p13.11.
Variant type: single nucleotide variant.
Coding change: c.796-6G>C on transcript NM_017668.3 (MANE Select); 6 bases into the intron before coding-DNA position 796, G replaced by C.
Molecular consequence: intron variant.
Genome position (GRCh38, 1-based): chr16:15,696,703, G>C. VCF-style: chr16-15696703-G-C. GRCh37 (hg19) VCF-style: chr16-15790560-G-C.
Other names: c.796-6G>C (NM_001143979.2).
Identifiers: ClinVar variation 3403719 (VCV003403719.1).

ClinVar aggregate classification (germline): Uncertain significance (1 of 4 stars; one submission).

Conditions:
Inborn genetic diseases. Identifiers: MedGen C0950123, MeSH D030342.

gnomAD v4.1: 50 of 1,614,086 alleles (0.0031%); highest among the groups gnomAD compares: Non-Finnish European, 0.004%; no homozygotes.

Submission:

Ambry Genetics
Classification: Uncertain significance for Inborn genetic diseases. Last evaluated: 2024-08-01. Review status: criteria provided, single submitter. Criteria: Ambry Variant Classification Scheme 2023. Collection method: clinical testing. Allele origin: germline.
Comment: The c.796-6G>C intronic alteration consists of a G to C substitution 6 nucleotides before coding exon 7 in the NDE1 gene. Based on insufficient or conflicting evidence, the clinical significance of this alteration remains unclear.